The following is an entry in ClinVar:

ClinVar aggregate classification (germline): Uncertain significance (1 of 4 stars; one submission).

Conditions:
Inborn genetic diseases. Identifiers: MedGen C0950123, MeSH D030342.

Submission:

Ambry Genetics
Classification: Uncertain significance for Inborn genetic diseases. Last evaluated: 2025-03-30. Review status: criteria provided, single submitter. Criteria: Ambry Variant Classification Scheme 2023. Collection method: clinical testing. Allele origin: germline.
Comment: The p.L2524V variant (also known as c.7570C>G), located in coding exon 33 of the CHD7 gene, results from a C to G substitution at nucleotide position 7570. The leucine at codon 2524 is replaced by valine, an amino acid with highly similar properties. This amino acid position is conserved. In addition, the in silico prediction for this alteration is inconclusive. Based on the available evidence, the clinical significance of this variant remains unclear.

NM_017780.4(CHD7):c.7570C>G (p.Leu2524Val)

Gene: CHD7 (chromodomain helicase DNA binding protein 7; plus strand). Cytogenetic location: 8q12.2.
Variant type: single nucleotide variant.
Coding change: c.7570C>G on transcript NM_017780.4 (MANE Select); coding-DNA position 7570, C replaced by G.
Protein change: p.Leu2524Val; replaces leucine 2524 with valine.
Molecular consequence: missense variant. On other transcripts: intron variant (1).
Genome position (GRCh38, 1-based): chr8:60,856,850, C>G. VCF-style: chr8-60856850-C-G. GRCh37 (hg19) VCF-style: chr8-61769409-C-G.
Other names: c.1717-5379C>G (NM_001316690.1); short protein forms L2524V.
Identifiers: ClinVar variation 4002163 (VCV004002163.1).
Genomic context (GRCh38, chr8:60,856,850, plus strand): 5'-GATGGAGAGCCTCCCATGAAGAGGAGGCGGGGAAGGAGGAAAAATGTGGAGGGACTTGAT[C>G]TGCTTTTCATGAGCCACAAACGGACGTCATTGAGTGCAGTAAGTTGGGGAGCTTGCCTGC-3'
Protein context (NP_060250.2, residues 2514-2534): GRRKNVEGLD[Leu2524Val]LFMSHKRTSL